The following is an entry in ClinVar:

NM_005901.6(SMAD2):c.356A>G (p.His119Arg)

Gene: SMAD2 (SMAD family member 2; minus strand). Cytogenetic location: 18q21.1.
Variant type: single nucleotide variant.
Coding change: c.356A>G on transcript NM_005901.6 (MANE Select); coding-DNA position 356, A replaced by G.
Protein change: p.His119Arg; replaces histidine 119 with arginine.
Molecular consequence: missense variant.
Genome position (GRCh38, 1-based): chr18:47,869,407, T>C on the plus strand (A>G on the coding strand, the complement: SMAD2 is on the minus strand). VCF-style: chr18-47869407-T-C. GRCh37 (hg19) VCF-style: chr18-45395778-T-C.
Other names: c.356A>G, p.His119Arg (NM_001003652.4); c.266A>G, p.His89Arg (NM_001135937.3); short protein forms H89R, H119R.
Identifiers: ClinVar variation 3320624 (VCV003320624.1).
Genomic context (GRCh38, chr18:47,869,407, plus strand): 5'-CTGTGAAGATCAGGCCAGCGCCATAATCGGCAATATATAACATGTGGCAATCCTTTTCGA[T>C]GGGATACCTGGAGACGACCATCAAGAGACCTGTTGGGAAGCAAGGGGAAAAGAAAGGAGG-3'
Protein context (NP_005892.1, residues 109-129): RSLDGRLQVS[His119Arg]RKGLPHVIYC

ClinVar aggregate classification (germline): Uncertain significance (1 of 4 stars; one submission).

Conditions:
Inborn genetic diseases. Identifiers: MedGen C0950123, MeSH D030342.

gnomAD v4.1: 1 of 1,611,078 alleles (0.000062%); highest among the groups gnomAD compares: African/African-American, 0.0014%; no homozygotes.

Submission:

Ambry Genetics
Classification: Uncertain significance for Inborn genetic diseases. Last evaluated: 2024-06-23. Review status: criteria provided, single submitter. Criteria: Ambry Variant Classification Scheme 2023. Collection method: clinical testing. Allele origin: germline.
Comment: The p.H119R variant (also known as c.356A>G), located in coding exon 3 of the SMAD2 gene, results from an A to G substitution at nucleotide position 356. The histidine at codon 119 is replaced by arginine, an amino acid with highly similar properties. This amino acid position is conserved. In addition, the in silico prediction for this alteration is inconclusive. Based on the available evidence, the clinical significance of this variant remains unclear.